The following is an entry in ClinVar:

ClinVar aggregate classification (germline): Uncertain significance (1 of 4 stars; one submission).

Submission:

GeneDx
Classification: Uncertain significance. Last evaluated: 2026-02-23. Review status: criteria provided, single submitter. Criteria: GeneDx Variant Classification Process June 2021. Collection method: clinical testing. Allele origin: germline.
Comment: Not observed at significant frequency in large population cohorts (gnomAD); In silico analysis supports that this missense variant has a deleterious effect on protein structure/function; Has not been previously published as pathogenic or benign to our knowledge

NM_004076.5(CRYBB3):c.193C>A (p.Pro65Thr)

Gene: CRYBB3 (crystallin beta B3; plus strand). Cytogenetic location: 22q11.23.
Variant type: single nucleotide variant.
Coding change: c.193C>A on transcript NM_004076.5 (MANE Select); coding-DNA position 193, C replaced by A.
Protein change: p.Pro65Thr; replaces proline 65 with threonine.
Molecular consequence: missense variant.
Genome position (GRCh38, 1-based): chr22:25,202,791, C>A. VCF-style: chr22-25202791-C-A. GRCh37 (hg19) VCF-style: chr22-25598758-C-A.
Other names: short protein forms P65T.
Identifiers: ClinVar variation 5009833 (VCV005009833.1).
Genomic context (GRCh38, chr22:25,202,791, plus strand): 5'-TGCCCCAGCCTGACCGACAGCCTGCTGGAGAAGGTGGGCTCCATCCAAGTGGAGTCCGGG[C>A]CGTGAGTACCTAGACCCCCAGTCCCTCGCCACAGCCCTGAGCCTTCTGGGAGTGTGGAGG-3'
Protein context (NP_004067.1, residues 55-75): KVGSIQVESG[Pro65Thr]WLAFESRAFR